The following is an entry in ClinVar:

ClinVar aggregate classification (germline): Uncertain significance (1 of 4 stars; one submission).

Submission:

Ambry Genetics
Classification: Uncertain significance. Last evaluated: 2022-10-20. Review status: criteria provided, single submitter. Criteria: Ambry Variant Classification Scheme 2023. Collection method: clinical testing. Allele origin: germline.
Comment: The p.G34E variant (also known as c.101G>A), located in coding exon 1 of the MNDA gene, results from a G to A substitution at nucleotide position 101. The glycine at codon 34 is replaced by glutamic acid, an amino acid with similar properties. This amino acid position is conserved. In addition, this alteration is predicted to be tolerated by in silico analysis. Since supporting evidence is limited at this time, the clinical significance of this alteration remains unclear.

NM_002432.3(MNDA):c.101G>A (p.Gly34Glu)

Gene: MNDA (myeloid cell nuclear differentiation antigen; plus strand). Cytogenetic location: 1q23.1.
Variant type: single nucleotide variant.
Coding change: c.101G>A on transcript NM_002432.3 (MANE Select); coding-DNA position 101, G replaced by A.
Protein change: p.Gly34Glu; replaces glycine 34 with glutamic acid.
Molecular consequence: missense variant.
Genome position (GRCh38, 1-based): chr1:158,842,254, G>A. VCF-style: chr1-158842254-G-A. GRCh37 (hg19) VCF-style: chr1-158812044-G-A.
Other names: short protein forms G34E.
Identifiers: ClinVar variation 1755651 (VCV001755651.2), dbSNP rs2526074792, ClinGen allele CA343036636.